The following is an entry in ClinVar:

NM_004239.4(TRIP11):c.1187-59T>C

Gene: TRIP11 (thyroid hormone receptor interactor 11; minus strand). Cytogenetic location: 14q32.12.
Variant type: single nucleotide variant.
Coding change: c.1187-59T>C on transcript NM_004239.4 (MANE Select); 59 bases into the intron before coding-DNA position 1187, T replaced by C.
Molecular consequence: intron variant.
Genome position (GRCh38, 1-based): chr14:92,011,854, A>G on the plus strand (T>C on the coding strand, the complement: TRIP11 is on the minus strand). VCF-style: chr14-92011854-A-G. GRCh37 (hg19) VCF-style: chr14-92478198-A-G.
Other names: c.1184-59T>C (NM_001321851.1).
Identifiers: ClinVar variation 675088 (VCV000675088.2), dbSNP rs7151632, ClinGen allele CA265617080.
Genomic context (GRCh38, chr14:92,011,854, plus strand): 5'-ATCTGTAAAAACAGCAAATGAACTTGACATTAAAATTATTTAGAGTAACTTATTATCTTC[A>G]ATATTAAACTCAGAAATGCAACCCAATTAAAGTGTATATAAGCACCACTGGCAAGCAGTA-3'

ClinVar aggregate classification (germline): Benign. Review status: criteria provided, multiple submitters, no conflicts (2 of 4 stars). 2 submissions from 2 submitters: Benign (2). Last evaluated 2018-06-19.

Allele frequency attached by ClinVar (database versions not stated): gnomAD exomes 0.11385; 1000 Genomes Project 0.13059; 1000 Genomes Project 30x 0.13632; gnomAD 0.15837 and 0.16634; TOPMed 0.16468; ESP Exome Variant Server 0.17699.
gnomAD v4.1: 179,922 of 1,519,544 alleles (12%); highest among the groups gnomAD compares: African/African-American, 31%; 12,796 homozygotes.

Submissions (2):

GeneDx
Classification: Benign. Last evaluated: 2018-06-19. Review status: criteria provided, single submitter. Criteria: GeneDx Variant Classification (06012015). Collection method: clinical testing. Allele origin: germline. Affected: yes.
Comment: This variant is considered likely benign or benign based on one or more of the following criteria: it is a conservative change, it occurs at a poorly conserved position in the protein, it is predicted to be benign by multiple in silico algorithms, and/or has population frequency not consistent with disease.

Breakthrough Genomics
Classification: Benign. Review status: criteria provided, single submitter. Criteria: ACMG Guidelines, 2015. Collection method: not provided. Allele origin: germline. Inheritance: Autosomal recessive inheritance. Affected: yes.